The following is an entry in ClinVar:

ClinVar aggregate classification (germline): Uncertain significance (1 of 4 stars; one submission).

Submission:

GeneDx
Classification: Uncertain significance. Last evaluated: 2021-02-08. Review status: criteria provided, single submitter. Criteria: GeneDx Variant Classification Process June 2021. Collection method: clinical testing. Allele origin: germline. Affected: yes.
Comment: Not observed in large population cohorts (Lek et al., 2016); In silico analysis supports that this missense variant does not alter protein structure/function; Has not been previously published as pathogenic or benign to our knowledge

NM_001009944.3(PKD1):c.11214C>G (p.Asn3738Lys)

Genes: PKD1 (polycystin 1, transient receptor potential channel interacting; minus strand), PKD1-AS1 (PKD1 antisense RNA 1; plus strand). Cytogenetic location: 16p13.3.
Variant type: single nucleotide variant.
Coding change: c.11214C>G on transcript NM_001009944.3 (MANE Select); coding-DNA position 11214, C replaced by G.
Protein change: p.Asn3738Lys; replaces asparagine 3738 with lysine.
Molecular consequence: missense variant.
Genome position (GRCh38, 1-based): chr16:2,092,535, G>C on the plus strand (C>G on the coding strand, the complement: PKD1 is on the minus strand). VCF-style: chr16-2092535-G-C. GRCh37 (hg19) VCF-style: chr16-2142536-G-C.
Other names: c.11211C>G, p.Asn3737Lys (NM_000296.4); short protein forms N3737K, N3738K.
Identifiers: ClinVar variation 1314099 (VCV001314099.2), dbSNP rs2151702101, ClinGen allele CA394336276.
Genomic context (GRCh38, chr16:2,092,535, plus strand): 5'-CTCACCTTCCTGCAGCCGCACCTGCCGCAGCCGTGGGGGCCCCAGCTCTGGGCTGGACTG[G>C]TTCCCGTGGACGTAGGGCAGCAGCACGTGGGCCATCCATGGCCAGAGCTCCTCAGACCTG-3'
Protein context (NP_001009944.3, residues 3728-3748): AHVLLPYVHG[Asn3738Lys]QSSPELGPPR